The following is an entry in ClinVar:

NM_000179.3(MSH6):c.922G>A (p.Gly308Ser)

Gene: MSH6 (mutS homolog 6; plus strand). Cytogenetic location: 2p16.3.
Variant type: single nucleotide variant.
Coding change: c.922G>A on transcript NM_000179.3 (MANE Select); coding-DNA position 922, G replaced by A.
Protein change: p.Gly308Ser; replaces glycine 308 with serine.
Molecular consequence: missense variant.
Genome position (GRCh38, 1-based): chr2:47,798,905, G>A. VCF-style: chr2-47798905-G-A. GRCh37 (hg19) VCF-style: chr2-48026044-G-A.
Other names: c.532G>A, p.Gly178Ser (NM_001281492.2); c.16G>A, p.Gly6Ser (NM_001281493.2, NM_001281494.2); short protein forms G308S, G178S, G6S.
Identifiers: ClinVar variation 577488 (VCV000577488.15), dbSNP rs370174372, ClinGen allele CA46706999.

ClinVar aggregate classification (germline): Uncertain significance. Review status: criteria provided, multiple submitters, no conflicts (2 of 4 stars). 3 submissions from 3 submitters: Uncertain significance (3). Last evaluated 2025-12-15.

Conditions:
Hereditary cancer-predisposing syndrome. Also called: Tumor predisposition; Hereditary neoplastic syndrome; Hereditary Cancer Syndrome; Neoplastic Syndromes, Hereditary. Identifiers: Orphanet 140162, MedGen C0027672, MeSH D009386, MONDO:0015356.
Breast and/or ovarian cancer. Identifiers: MedGen CN221562.
Hereditary nonpolyposis colorectal neoplasms. Identifiers: MedGen C0009405, MeSH D003123.

Submissions (3):

Labcorp Genetics (formerly Invitae), Labcorp
Classification: Uncertain significance for Hereditary nonpolyposis colorectal neoplasms. Last evaluated: 2025-12-15. Review status: criteria provided, single submitter. Criteria: Invitae Variant Classification Sherloc (09022015). Collection method: clinical testing. Allele origin: germline.
Comment: This sequence change replaces glycine, which is neutral and non-polar, with serine, which is neutral and polar, at codon 308 of the MSH6 protein (p.Gly308Ser). This variant is not present in population databases (gnomAD no frequency). This variant has not been reported in the literature in individuals affected with MSH6-related conditions. ClinVar contains an entry for this variant (Variation ID: 577488). Invitae Evidence Modeling of protein sequence and biophysical properties (such as structural, functional, and spatial information, amino acid conservation, physicochemical variation, residue mobility, and thermodynamic stability) indicates that this missense variant is not expected to disrupt MSH6 protein function with a negative predictive value of 95%. In summary, the available evidence is currently insufficient to determine the role of this variant in disease. Therefore, it has been classified as a Variant of Uncertain Significance.

Ambry Genetics
Classification: Uncertain significance for Hereditary cancer-predisposing syndrome. Last evaluated: 2025-06-05. Review status: criteria provided, single submitter. Criteria: Ambry Variant Classification Scheme 2023. Collection method: clinical testing. Allele origin: germline.
Comment: The p.G308S variant (also known as c.922G>A), located in coding exon 4 of the MSH6 gene, results from a G to A substitution at nucleotide position 922. The glycine at codon 308 is replaced by serine, an amino acid with similar properties. This amino acid position is not well conserved in available vertebrate species. In addition, this alteration is predicted to be tolerated by in silico analysis. Since supporting evidence is limited at this time, the clinical significance of this alteration remains unclear.

CHEO Genetics Diagnostic Laboratory, Children's Hospital of Eastern Ontario
Classification: Uncertain significance for Breast and/or ovarian cancer. Last evaluated: 2020-05-06. Review status: criteria provided, single submitter. Criteria: ACMG Guidelines, 2015. Collection method: clinical testing. Allele origin: germline.